The following is an entry in ClinVar:

ClinVar aggregate classification (germline): Uncertain significance (1 of 4 stars; one submission).

Conditions:
Primary ciliary dyskinesia. Also called: Ciliary dyskinesia. Identifiers: Orphanet 244, MedGen C0008780, MONDO:0016575, HP:0012265.

Submission:

Labcorp Genetics (formerly Invitae), Labcorp
Classification: Uncertain significance for Primary ciliary dyskinesia. Last evaluated: 2022-06-07. Review status: criteria provided, single submitter. Criteria: Invitae Variant Classification Sherloc (09022015). Collection method: clinical testing. Allele origin: germline.
Comment: This variant has not been reported in the literature in individuals affected with DRC1-related conditions. This variant, c.1093_1095del, results in the deletion of 1 amino acid(s) of the DRC1 protein (p.Glu365del), but otherwise preserves the integrity of the reading frame. This variant is present in population databases (rs765070685, gnomAD 0.04%). Experimental studies and prediction algorithms are not available or were not evaluated, and the functional significance of this variant is currently unknown. In summary, the available evidence is currently insufficient to determine the role of this variant in disease. Therefore, it has been classified as a Variant of Uncertain Significance.

NM_145038.5(DRC1):c.1090GAG[1] (p.Glu365del)

Gene: DRC1 (dynein regulatory complex subunit 1; plus strand). Cytogenetic location: 2p23.3.
Variant type: Microsatellite.
Coding change: c.1090GAG[1] on transcript NM_145038.5 (MANE Select); one copy of the 3-base unit GAG starting at c.1090; the reference has two copies in a row; one copy, 3 bases deleted.
Protein change: p.Glu365del; deletes glutamic acid 365.
Molecular consequence: inframe deletion.
Genome position (GRCh38, 1-based): chr2:26,444,286-26,444,288, GAG deleted; deleting any 3 consecutive bases within chr2:26,444,281-26,444,288 gives the same sequence; the position shown is the placement nearest the transcript's 3' end. VCF-style (leftmost placement, unchanged base first): chr2-26444280-CAGG-C. GRCh37 (hg19) VCF-style: chr2-26667148-CAGG-C.
Other names: short protein forms E365del.
Identifiers: ClinVar variation 2043333 (VCV002043333.4), dbSNP rs765070685, ClinGen allele CA1562132.
Genomic context (GRCh38, chr2:26,444,280, plus strand): 5'-AGCCTGCATGATATACTTAACAATCTGAGATCAAAATATGCCAAGCAAATAAAGCAGTTT[CAGG>C]AGGAGAACCAGTCTCTAACCTCGGACTACAAACGTCTTGTGATGCAATTCAAGGAGCTAC-3'